The following is an entry in ClinVar:

ClinVar aggregate classification (germline): Uncertain significance (1 of 4 stars; one submission).

Allele frequency attached by ClinVar (database versions not stated): gnomAD exomes below 0.00001; TOPMed below 0.00001.
gnomAD v4.1: 1 of 1,614,044 alleles (0.000062%); highest among the groups gnomAD compares: Non-Finnish European, 0.000085%; no homozygotes.

Submission:

Labcorp Genetics (formerly Invitae), Labcorp
Classification: Uncertain significance. Last evaluated: 2023-04-06. Review status: criteria provided, single submitter. Criteria: Invitae Variant Classification Sherloc (09022015). Collection method: clinical testing. Allele origin: germline.
Comment: Algorithms developed to predict the effect of sequence changes on RNA splicing suggest that this variant may disrupt the consensus splice site. This sequence change affects a donor splice site in intron 17 of the STAT4 gene. It is expected to disrupt RNA splicing. Variants that disrupt the donor or acceptor splice site typically lead to a loss of protein function (PMID: 16199547), however the current clinical and genetic evidence is not sufficient to establish whether loss-of-function variants in STAT4 cause disease. This variant is present in population databases (no rsID available, gnomAD 0.0009%). This variant has not been reported in the literature in individuals affected with STAT4-related conditions. In summary, the available evidence is currently insufficient to determine the role of this variant in disease. Therefore, it has been classified as a Variant of Uncertain Significance.

Literature cited by the submitters: PubMed 16199547.

NM_003151.4(STAT4):c.1570+1G>A

Gene: STAT4 (signal transducer and activator of transcription 4; minus strand). Cytogenetic location: 2q32.2.
Variant type: single nucleotide variant.
Coding change: c.1570+1G>A on transcript NM_003151.4 (MANE Select); the canonical splice donor site of the intron after coding-DNA position 1570, G replaced by A.
Molecular consequence: splice donor variant.
Genome position (GRCh38, 1-based): chr2:191,036,163, C>T on the plus strand (G>A on the coding strand, the complement: STAT4 is on the minus strand). VCF-style: chr2-191036163-C-T. GRCh37 (hg19) VCF-style: chr2-191900889-C-T.
Other names: c.1570+1G>A (NM_001243835.2).
Identifiers: ClinVar variation 3008667 (VCV003008667.3), dbSNP rs937107040, ClinGen allele CA62676000.